The following is an entry in ClinVar:

NM_004928.3(CFAP410):c.618T>C (p.Asp206=)

Gene: CFAP410 (cilia and flagella associated protein 410; minus strand). Cytogenetic location: 21q22.3.
Variant type: single nucleotide variant.
Coding change: c.618T>C on transcript NM_004928.3 (MANE Select); coding-DNA position 618, T replaced by C.
Protein change: p.Asp206=; no amino-acid change (aspartic acid 206 retained).
Molecular consequence: synonymous variant.
Genome position (GRCh38, 1-based): chr21:44,330,847, A>G on the plus strand (T>C on the coding strand, the complement: CFAP410 is on the minus strand). VCF-style: chr21-44330847-A-G. GRCh37 (hg19) VCF-style: chr21-45750730-A-G.
Other names: c.618T>C (NM_004928.2); c.615T>C, p.Asp205= (NM_001271440.2, NM_001271441.2); c.492T>C, p.Asp164= (NM_001271442.1).
Identifiers: ClinVar variation 3709691 (VCV003709691.3).

ClinVar aggregate classification (germline): Likely benign. Review status: criteria provided, multiple submitters, no conflicts (2 of 4 stars). 2 submissions from 2 submitters: Likely benign (2). Last evaluated 2025-09-11.

Conditions:
CFAP410-related disorder. Also called: CFAP410-related condition.

Submissions (2):

Labcorp Genetics (formerly Invitae), Labcorp
Classification: Likely benign. Last evaluated: 2025-09-11. Review status: criteria provided, single submitter. Criteria: Invitae Variant Classification Sherloc (09022015). Collection method: clinical testing. Allele origin: germline.

PreventionGenetics, part of Exact Sciences
Classification: Likely benign for CFAP410-related condition. Last evaluated: 2025-03-06. Review status: criteria provided, single submitter. Criteria: ACMG Guidelines, 2015. Collection method: clinical testing. Allele origin: germline.
Comment: This variant is classified as likely benign based on ACMG/AMP sequence variant interpretation guidelines (Richards et al. 2015 PMID: 25741868, with internal and published modifications).